The following is an entry in ClinVar:

NM_000264.5(PTCH1):c.1267A>G (p.Thr423Ala)

Gene: PTCH1 (patched 1; minus strand). Cytogenetic location: 9q22.32.
Variant type: single nucleotide variant.
Coding change: c.1267A>G on transcript NM_000264.5 (MANE Select); coding-DNA position 1267, A replaced by G.
Protein change: p.Thr423Ala; replaces threonine 423 with alanine.
Molecular consequence: missense variant. On other transcripts: non-coding transcript variant (1).
Genome position (GRCh38, 1-based): chr9:95,478,135, T>C on the plus strand (A>G on the coding strand, the complement: PTCH1 is on the minus strand). VCF-style: chr9-95478135-T-C. GRCh37 (hg19) VCF-style: chr9-98240417-T-C.
Other names: c.1069A>G, p.Thr357Ala (NM_001083602.3); c.1264A>G, p.Thr422Ala (NM_001083603.3); c.814A>G, p.Thr272Ala (NM_001083604.3, NM_001083605.3, NM_001083606.3 and 1 more transcripts); c.1267A>G, p.Thr423Ala (NM_001354918.2); short protein forms T357A, T272A, T423A, T422A.
Identifiers: ClinVar variation 2781463 (VCV002781463.3), dbSNP rs1339832074, ClinGen allele CA374118864.

ClinVar aggregate classification (germline): Uncertain significance (1 of 4 stars; one submission).

Conditions:
Gorlin syndrome. Also called: Basal cell nevus syndrome; Nevoid Basal Cell Carcinoma Syndrome. Identifiers: Orphanet 377, MedGen C0004779, MONDO:0007187.

Submission:

Labcorp Genetics (formerly Invitae), Labcorp
Classification: Uncertain significance for Gorlin syndrome. Last evaluated: 2023-07-10. Review status: criteria provided, single submitter. Criteria: Invitae Variant Classification Sherloc (09022015). Collection method: clinical testing. Allele origin: germline.
Comment: In summary, the available evidence is currently insufficient to determine the role of this variant in disease. Therefore, it has been classified as a Variant of Uncertain Significance. Advanced modeling of protein sequence and biophysical properties (such as structural, functional, and spatial information, amino acid conservation, physicochemical variation, residue mobility, and thermodynamic stability) performed at Invitae indicates that this missense variant is not expected to disrupt PTCH1 protein function. This variant has not been reported in the literature in individuals affected with PTCH1-related conditions. This variant is not present in population databases (gnomAD no frequency). This sequence change replaces threonine, which is neutral and polar, with alanine, which is neutral and non-polar, at codon 423 of the PTCH1 protein (p.Thr423Ala).